The following is an entry in ClinVar:

NM_173630.4(RTTN):c.6209A>T (p.His2070Leu)

Gene: RTTN (rotatin; minus strand). Cytogenetic location: 18q22.2.
Variant type: single nucleotide variant.
Coding change: c.6209A>T on transcript NM_173630.4 (MANE Select); coding-DNA position 6209, A replaced by T.
Protein change: p.His2070Leu; replaces histidine 2070 with leucine.
Molecular consequence: missense variant.
Genome position (GRCh38, 1-based): chr18:70,017,619, T>A on the plus strand (A>T on the coding strand, the complement: RTTN is on the minus strand). VCF-style: chr18-70017619-T-A. GRCh37 (hg19) VCF-style: chr18-67684855-T-A.
Other names: c.3473A>T, p.His1158Leu (NM_001318520.2); short protein forms H1158L, H2070L.
Identifiers: ClinVar variation 1372621 (VCV001372621.5), dbSNP rs764347798, ClinGen allele CA402683634.
Genomic context (GRCh38, chr18:70,017,619, plus strand): 5'-TCTTCTCCAGATGATATATTCAGGAGTAACTTCAACCAAAGAATAGTCAGATTACTTAGA[T>A]GTTTATTTCCTCCTTTTGGCAATGCTAGAGAGAGGAAGTTCTGTAAGAAGTTACTCTGTG-3'
Protein context (NP_775901.3, residues 2060-2080): SLALPKGGNK[His2070Leu]LSNLTILWLK

ClinVar aggregate classification (germline): Uncertain significance (1 of 4 stars; one submission).

gnomAD v4.1: 6 of 1,613,818 alleles (0.00037%); highest among the groups gnomAD compares: Non-Finnish European, 0.00051%; no homozygotes.

Submission:

Labcorp Genetics (formerly Invitae), Labcorp
Classification: Uncertain significance. Last evaluated: 2026-01-12. Review status: criteria provided, single submitter. Criteria: Invitae Variant Classification Sherloc (09022015). Collection method: clinical testing. Allele origin: germline.
Comment: This sequence change replaces histidine, which is basic and polar, with leucine, which is neutral and non-polar, at codon 2070 of the RTTN protein (p.His2070Leu). This variant is not present in population databases (gnomAD no frequency). This variant has not been reported in the literature in individuals affected with RTTN-related conditions. ClinVar contains an entry for this variant (Variation ID: 1372621). Invitae Evidence Modeling of protein sequence and biophysical properties (such as structural, functional, and spatial information, amino acid conservation, physicochemical variation, residue mobility, and thermodynamic stability) indicates that this missense variant is not expected to disrupt RTTN protein function with a negative predictive value of 80%. In summary, the available evidence is currently insufficient to determine the role of this variant in disease. Therefore, it has been classified as a Variant of Uncertain Significance.